The following is an entry in ClinVar:

NM_018136.5(ASPM):c.1007C>A (p.Thr336Lys)

Gene: ASPM (assembly factor for spindle microtubules; minus strand). Cytogenetic location: 1q31.3.
Variant type: single nucleotide variant.
Coding change: c.1007C>A on transcript NM_018136.5 (MANE Select); coding-DNA position 1007, C replaced by A.
Protein change: p.Thr336Lys; replaces threonine 336 with lysine.
Molecular consequence: missense variant.
Genome position (GRCh38, 1-based): chr1:197,143,245, G>T on the plus strand (C>A on the coding strand, the complement: ASPM is on the minus strand). VCF-style: chr1-197143245-G-T. GRCh37 (hg19) VCF-style: chr1-197112375-G-T.
Other names: c.1007C>A, p.Thr336Lys (NM_001206846.2); short protein forms T336K.
Identifiers: ClinVar variation 157769 (VCV000157769.24), dbSNP rs112113370, ClinGen allele CA270987.

ClinVar aggregate classification (germline): Conflicting classifications of pathogenicity. Review status: criteria provided, conflicting classifications (1 of 4 stars). 6 submissions from 6 submitters: Uncertain significance (1); Benign (2); Likely benign (2). 1 of the submissions does not count toward it. Last evaluated 2026-01-06.

Conditions:
ASPM-related disorder. Also called: ASPM-related condition.
Microcephaly 5, primary, autosomal recessive (MCPH5). Also called: ASPM Primary Microcephaly. Identifiers: Orphanet 2512, MedGen C1837501, MONDO:0012106, OMIM 608716.

Allele frequency attached by ClinVar (database versions not stated): TOPMed 0.00082; gnomAD 0.00094 and 0.00066; ExAC 0.00124; gnomAD exomes 0.00141; 1000 Genomes Project 30x 0.00281; 1000 Genomes Project 0.00339.
gnomAD v4.1: 953 of 1,612,252 alleles (0.059%); highest among the groups gnomAD compares: East Asian, 1.8%; 10 homozygotes.

Submissions (6):

Labcorp Genetics (formerly Invitae), Labcorp
Classification: Benign. Last evaluated: 2026-01-06. Review status: criteria provided, single submitter. Criteria: Invitae Variant Classification Sherloc (09022015). Collection method: clinical testing. Allele origin: germline.

Illumina Laboratory Services, Illumina
Classification: Likely benign for Microcephaly 5, primary, autosomal recessive. Last evaluated: 2018-01-12. Review status: criteria provided, single submitter. Criteria: ICSL Variant Classification Criteria 13 December 2019. Collection method: clinical testing. Allele origin: germline.
Comment: This variant was observed in the ICSL laboratory as part of a predisposition screen in an ostensibly healthy population. It had not been previously curated by ICSL or reported in the Human Gene Mutation Database (HGMD: prior to June 1st, 2018), and was therefore a candidate for classification through an automated scoring system. Utilizing variant allele frequency, disease prevalence and penetrance estimates, and inheritance mode, an automated score was calculated to assess if this variant is too frequent to cause the disease. Based on the score and internal cut-off values, a variant classified as likely benign is not then subjected to further curation. The score for this variant resulted in a classification of likely benign for this disease.

GeneDx
Classification: Likely benign. Last evaluated: 2017-03-18. Review status: criteria provided, single submitter. Criteria: GeneDx Variant Classification (06012015). Collection method: clinical testing. Allele origin: germline. Affected: yes.
Comment: This variant is considered likely benign or benign based on one or more of the following criteria: it is a conservative change, it occurs at a poorly conserved position in the protein, it is predicted to be benign by multiple in silico algorithms, and/or has population frequency not consistent with disease.

Eurofins Ntd Llc (ga)
Classification: Benign. Last evaluated: 2015-08-06. Review status: criteria provided, single submitter. Criteria: EGL Classification Definitions 2015. Collection method: clinical testing. Allele origin: germline. Observed: 1 variant allele, 1 heterozygote.

Genetic Services Laboratory, University of Chicago
Classification: Uncertain significance for Microcephaly 5, primary, autosomal recessive. Last evaluated: 2013-02-27. Review status: criteria provided, single submitter. Criteria: ACMG Guidelines, 2007. Collection method: clinical testing. Allele origin: germline. Inheritance: Autosomal recessive inheritance.

PreventionGenetics, part of Exact Sciences
Classification: Benign for ASPM-related condition. Last evaluated: 2019-08-20. Review status: no assertion criteria provided. Collection method: clinical testing. Allele origin: germline. Not counted in ClinVar's aggregate classification.
Comment: This variant is classified as benign based on ACMG/AMP sequence variant interpretation guidelines (Richards et al. 2015 PMID: 25741868, with internal and published modifications).